The following is an entry in ClinVar:

ClinVar aggregate classification (germline): Uncertain significance (1 of 4 stars; one submission).

Allele frequency attached by ClinVar (database versions not stated): ExAC 0.00001.

Submission:

Labcorp Genetics (formerly Invitae), Labcorp
Classification: Uncertain significance. Last evaluated: 2023-06-05. Review status: criteria provided, single submitter. Criteria: Invitae Variant Classification Sherloc (09022015). Collection method: clinical testing. Allele origin: germline.
Comment: This sequence change replaces serine, which is neutral and polar, with glycine, which is neutral and non-polar, at codon 483 of the KMT2A protein (p.Ser483Gly). This variant is present in population databases (rs782096084, gnomAD 0.006%). This variant has not been reported in the literature in individuals affected with KMT2A-related conditions. Advanced modeling of protein sequence and biophysical properties (such as structural, functional, and spatial information, amino acid conservation, physicochemical variation, residue mobility, and thermodynamic stability) has been performed at Invitae for this missense variant, however the output from this modeling did not meet the statistical confidence thresholds required to predict the impact of this variant on KMT2A protein function. In summary, the available evidence is currently insufficient to determine the role of this variant in disease. Therefore, it has been classified as a Variant of Uncertain Significance.

NM_001197104.2(KMT2A):c.1447A>G (p.Ser483Gly)

Gene: KMT2A (lysine methyltransferase 2A; plus strand). Cytogenetic location: 11q23.3.
Variant type: single nucleotide variant.
Coding change: c.1447A>G on transcript NM_001197104.2 (MANE Select); coding-DNA position 1447, A replaced by G.
Protein change: p.Ser483Gly; replaces serine 483 with glycine.
Molecular consequence: missense variant.
Genome position (GRCh38, 1-based): chr11:118,472,606, A>G. VCF-style: chr11-118472606-A-G. GRCh37 (hg19) VCF-style: chr11-118343321-A-G.
Other names: c.1546A>G, p.Ser516Gly (NM_001412597.1); c.1447A>G, p.Ser483Gly (NM_005933.4); short protein forms S516G, S483G.
Identifiers: ClinVar variation 2971535 (VCV002971535.3), dbSNP rs782096084, ClinGen allele CA6303398.